The following is an entry in ClinVar:

NM_005342.4(HMGB3):c.576GGA[6] (p.Glu198del)

Gene: HMGB3 (high mobility group box 3; plus strand). Cytogenetic location: Xq28.
Variant type: Microsatellite.
Coding change: c.576GGA[6] on transcript NM_005342.4 (MANE Select); six copies in a row of the 3-base unit GGA starting at c.576; the reference has seven copies in a row; one copy, 3 bases deleted.
Protein change: p.Glu198del; deletes glutamic acid 198.
Genome position (GRCh38, 1-based): chrX:150,987,905-150,987,907, GGA deleted; deleting any 3 consecutive bases within chrX:150,987,885-150,987,907 gives the same sequence; the position shown is the placement nearest the transcript's 3' end. VCF-style (leftmost placement, unchanged base first): chrX-150987884-AGAG-A. GRCh37 (hg19) VCF-style: chrX-150156357-AGAG-A.
Other names: c.576GGA[6], p.Glu198del (NM_001301228.2, NM_001301229.2); c.636GGA[6], p.Glu218del (NM_001301231.2); short protein forms E198del, E218del.
Identifiers: ClinVar variation 3038100 (VCV003038100.2), dbSNP rs782021512, ClinGen allele CA10540143.

ClinVar aggregate classification (germline): Benign (0 of 4 stars; one submission).

Conditions:
HMGB3-related disorder. Also called: HMGB3-related condition.

Submission:

PreventionGenetics, part of Exact Sciences
Classification: Benign for HMGB3-related condition. Last evaluated: 2019-08-08. Review status: no assertion criteria provided. Collection method: clinical testing. Allele origin: germline.
Comment: This variant is classified as benign based on ACMG/AMP sequence variant interpretation guidelines (Richards et al. 2015 PMID: 25741868, with internal and published modifications).